The following is an entry in ClinVar:

NM_001206744.2(TPO):c.2472_2473del (p.Cys825fs)

Genes: LALTOP (lung cancer associated lncRNA targeting TOP2A; minus strand), TPO (thyroid peroxidase; plus strand). Cytogenetic location: 2p25.3.
Variant type: Microsatellite.
Coding change: c.2472_2473del on transcript NM_001206744.2 (MANE Select); coding-DNA positions 2472 to 2473, 2 bases deleted (CT; older notation c.2472_2473delCT).
Protein change: p.Cys825fs; shifts the reading frame from cysteine 825.
Molecular consequence: frameshift variant. On other transcripts: intron variant (1).
Genome position (GRCh38, 1-based): chr2:1,504,033-1,504,034, CT deleted; deleting any 2 consecutive bases within chr2:1,504,030-1,504,034 gives the same sequence; the c. name uses the placement nearest the transcript's 3' end. VCF-style (leftmost placement, unchanged base first): chr2-1504029-GTC-G. GRCh37 (hg19) VCF-style: chr2-1507801-GTC-G.
Other names: c.2472_2473del, p.Cys825fs (NM_000547.6); c.2301_2302del, p.Cys768fs (NM_001206745.2, NM_175719.4); c.1953_1954del, p.Cys652fs (NM_175722.3); c.2386+7268_2386+7269del (NM_175721.3); short protein forms C652fs, C768fs, C825fs.
Identifiers: ClinVar variation 2805683 (VCV002805683.3), dbSNP rs2546335765, ClinGen allele CA2657647617.

ClinVar aggregate classification (germline): Pathogenic (1 of 4 stars; one submission).

Submission:

Labcorp Genetics (formerly Invitae), Labcorp
Classification: Pathogenic. Last evaluated: 2023-05-02. Review status: criteria provided, single submitter. Criteria: Invitae Variant Classification Sherloc (09022015). Collection method: clinical testing. Allele origin: germline.
Comment: For these reasons, this variant has been classified as Pathogenic. This variant has not been reported in the literature in individuals affected with TPO-related conditions. This variant is not present in population databases (gnomAD no frequency). This sequence change creates a premature translational stop signal (p.Cys825Argfs*54) in the TPO gene. It is expected to result in an absent or disrupted protein product. Loss-of-function variants in TPO are known to be pathogenic (PMID: 11061528, 23236987, 25564141).

Literature cited by the submitters: PubMed 11061528; PubMed 23236987; PubMed 25564141.